The following is an entry in ClinVar:

ClinVar aggregate classification (germline): Pathogenic/Likely pathogenic. Review status: criteria provided, multiple submitters, no conflicts (2 of 4 stars). 2 submissions from 2 submitters: Pathogenic (1); Likely pathogenic (1). Last evaluated 2023-10-06.

Conditions:
Neuronal ceroid lipofuscinosis 3 (CLN3). Identifiers: Orphanet 228346, MedGen C0751383, MONDO:0008767, OMIM 204200.
Neuronal ceroid lipofuscinosis. Also called: Neuronal Ceroid Lipofuscinoses. Identifiers: Orphanet 216, Orphanet 79263, MedGen C0027877, MONDO:0016295. Disease mechanism: loss of function.

Submissions (2):

Labcorp Genetics (formerly Invitae), Labcorp
Classification: Pathogenic for Neuronal ceroid lipofuscinosis. Last evaluated: 2023-10-06. Review status: criteria provided, single submitter. Criteria: Invitae Variant Classification Sherloc (09022015). Collection method: clinical testing. Allele origin: germline.
Comment: This sequence change creates a premature translational stop signal (p.Ser7Argfs*48) in the CLN3 gene. It is expected to result in an absent or disrupted protein product. Loss-of-function variants in CLN3 are known to be pathogenic (PMID: 9311735, 28542676). This variant is not present in population databases (gnomAD no frequency). This variant has not been reported in the literature in individuals affected with CLN3-related conditions. ClinVar contains an entry for this variant (Variation ID: 2001596). For these reasons, this variant has been classified as Pathogenic.

Baylor Genetics
Classification: Likely pathogenic for Neuronal ceroid lipofuscinosis 3. Last evaluated: 2023-07-31. Review status: criteria provided, single submitter. Criteria: ACMG Guidelines, 2015. Collection method: clinical testing. Allele origin: unknown.

Literature cited by the submitters: PubMed 9311735 (cited by Labcorp Genetics (formerly Invitae), Labcorp); PubMed 28542676 (cited by Labcorp Genetics (formerly Invitae), Labcorp).

NM_001042432.2(CLN3):c.18del (p.Ser7fs)

Gene: CLN3 (CLN3 lysosomal/endosomal transmembrane protein, battenin; minus strand). Cytogenetic location: 16p12.1.
Variant type: Deletion.
Coding change: c.18del on transcript NM_001042432.2 (MANE Select); coding-DNA position 18, one base deleted (C; older notation c.18delC).
Protein change: p.Ser7fs; shifts the reading frame from serine 7.
Molecular consequence: frameshift variant. On other transcripts: 5 prime UTR variant (3).
Genome position (GRCh38, 1-based): chr16:28,491,742, G deleted on the plus strand (C on the coding strand, the reverse complement: CLN3 is on the minus strand). VCF-style (leftmost placement, unchanged base first): chr16-28491741-AG-A. GRCh37 (hg19) VCF-style: chr16-28503062-AG-A.
Other names: c.18del, p.Ser7fs (NM_000086.2, NM_001286104.2); c.-124del (NM_001286105.2); c.-66del (NM_001286109.2, NM_001286110.2); short protein forms S7fs.
Identifiers: ClinVar variation 2001596 (VCV002001596.5), dbSNP rs2506530490, ClinGen allele CA2580091425.